The following is an entry in ClinVar:

ClinVar aggregate classification (germline): Uncertain significance (1 of 4 stars; one submission).

Conditions:
Inborn genetic diseases. Identifiers: MedGen C0950123, MeSH D030342.

Submission:

Ambry Genetics
Classification: Uncertain significance for Inborn genetic diseases. Last evaluated: 2024-12-14. Review status: criteria provided, single submitter. Criteria: Ambry Variant Classification Scheme 2023. Collection method: clinical testing. Allele origin: germline.
Comment: The p.G116S variant (also known as c.346G>A), located in coding exon 1 of the SAMD9 gene, results from a G to A substitution at nucleotide position 346. The glycine at codon 116 is replaced by serine, an amino acid with similar properties. This amino acid position is conserved. In addition, this alteration is predicted to be tolerated by in silico analysis. Based on the available evidence, the clinical significance of this variant remains unclear.

NM_017654.4(SAMD9):c.346G>A (p.Gly116Ser)

Gene: SAMD9 (sterile alpha motif domain containing 9; minus strand). Cytogenetic location: 7q21.2.
Variant type: single nucleotide variant.
Coding change: c.346G>A on transcript NM_017654.4 (MANE Select); coding-DNA position 346, G replaced by A.
Protein change: p.Gly116Ser; replaces glycine 116 with serine.
Molecular consequence: missense variant.
Genome position (GRCh38, 1-based): chr7:93,105,752, C>T on the plus strand (G>A on the coding strand, the complement: SAMD9 is on the minus strand). VCF-style: chr7-93105752-C-T. GRCh37 (hg19) VCF-style: chr7-92735065-C-T.
Other names: c.346G>A, p.Gly116Ser (NM_001193307.2); short protein forms G116S.
Identifiers: ClinVar variation 3791907 (VCV003791907.1).